The following is an entry in ClinVar:

NM_004415.4(DSP):c.8515_8526dup (p.Arg2846_Arg2847insSerGlySerArg)

Gene: DSP (desmoplakin; plus strand). Cytogenetic location: 6p24.3.
Variant type: Duplication.
Coding change: c.8515_8526dup on transcript NM_004415.4 (MANE Select); coding-DNA positions 8515 to 8526, 12 bases duplicated (TCCGGGTCCCGC).
Protein change: p.Arg2846_Arg2847insSerGlySerArg.
Molecular consequence: inframe insertion.
Genome position (GRCh38, 1-based): chr6:7,585,777-7,585,788, TCCGGGTCCCGC duplicated; duplicating any 12 consecutive bases within chr6:7,585,774-7,585,788 gives the same sequence; the c. name uses the placement nearest the transcript's 3' end. VCF-style (leftmost placement, unchanged base first): chr6-7585773-T-TCGCTCCGGGTCC. GRCh37 (hg19) VCF-style: chr6-7586006-T-TCGCTCCGGGTCC.
Other names: c.6718_6729dup, p.Arg2247_Arg2248insSerGlySerArg (NM_001008844.3); c.7186_7197dup, p.Arg2403_Arg2404insSerGlySerArg (NM_001319034.2).
Identifiers: ClinVar variation 3071356 (VCV003071356.1), dbSNP rs2533952646, ClinGen allele CA2677222124.

ClinVar aggregate classification (germline): Uncertain significance (1 of 4 stars; one submission).

Conditions:
Arrhythmogenic cardiomyopathy with wooly hair and keratoderma. Also called: PALMOPLANTAR KERATODERMA WITH LEFT VENTRICULAR CARDIOMYOPATHY AND WOOLLY HAIR; Carvajal syndrome; Dilated cardiomyopathy with woolly hair and keratoderma; Arrhythmogenic cardiomyopathy with woolly hair and keratoderma. Identifiers: Orphanet 65282, MedGen C1854063, MONDO:0011581, OMIM 605676.

Submission:

All of Us Research Program, National Institutes of Health
Classification: Uncertain significance for Arrhythmogenic cardiomyopathy with wooly hair and keratoderma. Last evaluated: 2023-05-31. Review status: criteria provided, single submitter. Criteria: ACMG Guidelines, 2015. Collection method: clinical testing. Allele origin: germline. Inheritance: Autosomal dominant inheritance. Observed: 1 variant allele, 1 heterozygote.
Comment: This study involves interpretation of variants in research participants for the purpose of population health screening. Participant phenotype was not available at the time of variant classification. Additional details can be found in publication PMID: 35346344, PMCID: PMC8962531